The following is an entry in ClinVar:

ClinVar aggregate classification (germline): Uncertain significance. Review status: criteria provided, multiple submitters, no conflicts (2 of 4 stars). 2 submissions from 2 submitters: Uncertain significance (2). Last evaluated 2026-02-02.

Conditions:
Dyskeratosis congenita, autosomal recessive 5 (DKCB5). Identifiers: MedGen C3554656, MONDO:0014076, OMIM 615190.
Pulmonary fibrosis and/or bone marrow failure, Telomere-related, 3. Also called: PULMONARY FIBROSIS AND/OR BONE MARROW FAILURE SYNDROME, TELOMERE-RELATED, 3. Identifiers: Orphanet 2032, MedGen C4225346, MONDO:0014613, OMIM 616373.

Allele frequency attached by ClinVar (database versions not stated): ExAC 0.00001; gnomAD 0.00004; gnomAD exomes 0.00001.
gnomAD v4.1: 16 of 1,592,146 alleles (0.001%); highest among the groups gnomAD compares: African/African-American, 0.016%; no homozygotes.

Submissions (2):

Labcorp Genetics (formerly Invitae), Labcorp
Classification: Uncertain significance for Dyskeratosis congenita, autosomal recessive 5; Pulmonary fibrosis and/or bone marrow failure, Telomere-related, 3. Last evaluated: 2026-02-02. Review status: criteria provided, single submitter. Criteria: Invitae Variant Classification Sherloc (09022015). Collection method: clinical testing. Allele origin: germline.
Comment: This sequence change falls in intron 10 of the RTEL1 gene. It does not directly change the encoded amino acid sequence of the RTEL1 protein. It affects a nucleotide within the consensus splice site. The frequency data for this variant in the population databases is considered unreliable, as metrics indicate poor data quality at this position in the gnomAD database. This variant has not been reported in the literature in individuals affected with RTEL1-related conditions. ClinVar contains an entry for this variant (Variation ID: 2947681). Variants that disrupt the consensus splice site are a relatively common cause of aberrant splicing (PMID: 17576681, 9536098). Algorithms developed to predict the effect of sequence changes on RNA splicing suggest that this variant may disrupt the consensus splice site. In summary, the available evidence is currently insufficient to determine the role of this variant in disease. Therefore, it has been classified as a Variant of Uncertain Significance.

Dasa
Classification: Uncertain significance. Last evaluated: 2025-04-17. Review status: criteria provided, single submitter. Criteria: DASA Assertion Criteria. Collection method: clinical testing. Allele origin: germline.
Comment: NM_001283009.2(RTEL1):c.919+4C>T is a splice-region variant. This variant is rare in population databases. Computational prediction algorithms are consistent with a benign effect. The currently available literature and clinical evidence are not sufficient to establish a definitive association between this variant and the reported condition. Therefore, this variant is classified as a variant of uncertain significance.

Literature cited by the submitters: PubMed 17576681 (cited by Labcorp Genetics (formerly Invitae), Labcorp); PubMed 9536098 (cited by Labcorp Genetics (formerly Invitae), Labcorp).

NM_001283009.2(RTEL1):c.919+4C>T

Genes: RTEL1 (regulator of telomere elongation helicase 1; plus strand), RTEL1-TNFRSF6B (RTEL1-TNFRSF6B readthrough (NMD candidate); plus strand). Cytogenetic location: 20q13.33.
Variant type: single nucleotide variant.
Coding change: c.919+4C>T on transcript NM_001283009.2 (MANE Select); 4 bases into the intron after coding-DNA position 919, C replaced by T.
Molecular consequence: intron variant.
Genome position (GRCh38, 1-based): chr20:63,674,097, C>T. VCF-style: chr20-63674097-C-T. GRCh37 (hg19) VCF-style: chr20-62305450-C-T.
Other names: c.250+4C>T (NM_001283010.1); c.991+4C>T (NM_032957.5); c.919+4C>T (NM_016434.4).
Identifiers: ClinVar variation 2947681 (VCV002947681.5), dbSNP rs201077722, ClinGen allele CA9964484.